The following is an entry in ClinVar:

ClinVar aggregate classification (germline): Likely pathogenic (1 of 4 stars; one submission).

Conditions:
Retinitis pigmentosa 71 (RP71). Identifiers: Orphanet 791, MedGen C4225342, MONDO:0014618, OMIM 616394.
Short-rib thoracic dysplasia 10 with or without polydactyly (SRTD10). Identifiers: Orphanet 474, MedGen C3810175, MONDO:0014284, OMIM 615630.

Submission:

Labcorp Genetics (formerly Invitae), Labcorp
Classification: Likely pathogenic for Retinitis pigmentosa 71; Short-rib thoracic dysplasia 10 with or without polydactyly. Last evaluated: 2023-01-25. Review status: criteria provided, single submitter. Criteria: Invitae Variant Classification Sherloc (09022015). Collection method: clinical testing. Allele origin: germline.
Comment: Algorithms developed to predict the effect of sequence changes on RNA splicing suggest that this variant may disrupt the consensus splice site. This variant has not been reported in the literature in individuals affected with IFT172-related conditions. This variant is not present in population databases (gnomAD no frequency). This sequence change affects an acceptor splice site in intron 33 of the IFT172 gene. It is expected to disrupt RNA splicing. Variants that disrupt the donor or acceptor splice site typically lead to a loss of protein function (PMID: 16199547), and loss-of-function variants in IFT172 are known to be pathogenic (PMID: 24140113). In summary, the currently available evidence indicates that the variant is pathogenic, but additional data are needed to prove that conclusively. Therefore, this variant has been classified as Likely Pathogenic.

Literature cited by the submitters: PubMed 16199547; PubMed 24140113.

NM_015662.3(IFT172):c.3712-2A>T

Genes: IFT172 (intraflagellar transport 172; minus strand), LOC126806173 (BRD4-independent group 4 enhancer GRCh37_chr2:27676057-27677256; plus strand). Cytogenetic location: 2p23.3.
Variant type: single nucleotide variant.
Coding change: c.3712-2A>T on transcript NM_015662.3 (MANE Select); the canonical splice acceptor site of the intron before coding-DNA position 3712, A replaced by T.
Molecular consequence: splice acceptor variant.
Genome position (GRCh38, 1-based): chr2:27,453,741, T>A on the plus strand (A>T on the coding strand, the complement: IFT172 is on the minus strand). VCF-style: chr2-27453741-T-A. GRCh37 (hg19) VCF-style: chr2-27676608-T-A.
Other names: c.3646-2A>T (NM_001410739.1).
Identifiers: ClinVar variation 2943467 (VCV002943467.3), dbSNP rs2465833474, ClinGen allele CA346378103.